The following is an entry in ClinVar:

NM_015046.7(SETX):c.5180A>T (p.Gln1727Leu)

Gene: SETX (senataxin; minus strand). Cytogenetic location: 9q34.13.
Variant type: single nucleotide variant.
Coding change: c.5180A>T on transcript NM_015046.7 (MANE Select); coding-DNA position 5180, A replaced by T.
Protein change: p.Gln1727Leu; replaces glutamine 1727 with leucine.
Molecular consequence: missense variant.
Genome position (GRCh38, 1-based): chr9:132,326,418, T>A on the plus strand (A>T on the coding strand, the complement: SETX is on the minus strand). VCF-style: chr9-132326418-T-A. GRCh37 (hg19) VCF-style: chr9-135201805-T-A.
Other names: c.5180A>T, p.Gln1727Leu (NM_001351527.2, NM_001351528.2); short protein forms Q1727L.
Identifiers: ClinVar variation 3571824 (VCV003571824.1).
Genomic context (GRCh38, chr9:132,326,418, plus strand): 5'-AAAACATTAAAATAATCTCCATAATTGTGAAATCTGACAGGCACAGGTCTTGAGATGGAC[T>A]GACAAAGACTTGCAGGGGGCCCACACTGACCAAAGTTCAAAAACATTTCATATTTCCATT-3'
Protein context (NP_055861.3, residues 1717-1737): GQCGPPASLC[Gln1727Leu]SISRPVPVRF

ClinVar aggregate classification (germline): Uncertain significance (1 of 4 stars; one submission).

Submission:

Athena Diagnostics
Classification: Uncertain significance. Last evaluated: 2024-05-22. Review status: criteria provided, single submitter. Criteria: Athena Diagnostics Criteria. Collection method: clinical testing. Allele origin: unknown.
Comment: Available data are insufficient to determine the clinical significance of the variant at this time. The frequency of this variant in the general population is uninformative in assessment of its pathogenicity. Polyphen and MutationTaster predict this amino acid change may be benign.